The following is an entry in ClinVar:

NM_006514.4(SCN10A):c.4762C>A (p.Arg1588=)

Gene: SCN10A (sodium voltage-gated channel alpha subunit 10; minus strand). Cytogenetic location: 3p22.2.
Variant type: single nucleotide variant.
Coding change: c.4762C>A on transcript NM_006514.4 (MANE Select); coding-DNA position 4762, C replaced by A.
Protein change: p.Arg1588=; no amino-acid change (arginine 1588 retained).
Molecular consequence: synonymous variant.
Genome position (GRCh38, 1-based): chr3:38,698,458, G>T on the plus strand (C>A on the coding strand, the complement: SCN10A is on the minus strand). VCF-style: chr3-38698458-G-T. GRCh37 (hg19) VCF-style: chr3-38739949-G-T.
Other names: c.4759C>A, p.Arg1587= (NM_001293306.2); c.4468C>A, p.Arg1490= (NM_001293307.2).
Identifiers: ClinVar variation 532141 (VCV000532141.13), dbSNP rs142537392, ClinGen allele CA2319819.

ClinVar aggregate classification (germline): Likely benign. Review status: criteria provided, multiple submitters, no conflicts (2 of 4 stars). 3 submissions from 3 submitters: Likely benign (3). Last evaluated 2025-06-04.

Conditions:
Brugada syndrome. Also called: Sudden unexpected nocturnal death syndrome; Sudden unexplained nocturnal death syndrome; Sudden Unexplained Death Syndrome; Sudden Unexplained Nocturnal Death Syndrome (SUNDS). Identifiers: Orphanet 130, MedGen C1142166, MONDO:0015263.
SCN10A-related disorder. Also called: SCN10A-related condition.
Cardiovascular phenotype. Identifiers: MedGen CN230736.

Allele frequency attached by ClinVar (database versions not stated): TOPMed 0.00008; ESP Exome Variant Server 0.00015.
gnomAD v4.1: 135 of 1,614,180 alleles (0.0084%); highest among the groups gnomAD compares: Middle Eastern, 0.016%; no homozygotes.

Submissions (3):

Labcorp Genetics (formerly Invitae), Labcorp
Classification: Likely benign for Brugada syndrome. Last evaluated: 2025-06-04. Review status: criteria provided, single submitter. Criteria: Invitae Variant Classification Sherloc (09022015). Collection method: clinical testing. Allele origin: germline.

PreventionGenetics, part of Exact Sciences
Classification: Likely benign for SCN10A-related condition. Last evaluated: 2024-11-15. Review status: criteria provided, single submitter. Criteria: ACMG Guidelines, 2015. Collection method: clinical testing. Allele origin: germline.
Comment: This variant is classified as likely benign based on ACMG/AMP sequence variant interpretation guidelines (Richards et al. 2015 PMID: 25741868, with internal and published modifications).

Ambry Genetics
Classification: Likely benign for Cardiovascular phenotype. Last evaluated: 2020-03-24. Review status: criteria provided, single submitter. Criteria: Ambry Variant Classification Scheme 2023. Collection method: clinical testing. Allele origin: germline.